The following is an entry in ClinVar:

NM_015021.3(ZNF292):c.8023A>G (p.Lys2675Glu)

Gene: ZNF292 (zinc finger protein 292; plus strand). Cytogenetic location: 6q14.3.
Variant type: single nucleotide variant.
Coding change: c.8023A>G on transcript NM_015021.3 (MANE Select); coding-DNA position 8023, A replaced by G.
Protein change: p.Lys2675Glu; replaces lysine 2675 with glutamic acid.
Molecular consequence: missense variant.
Genome position (GRCh38, 1-based): chr6:87,261,652, A>G. VCF-style: chr6-87261652-A-G. GRCh37 (hg19) VCF-style: chr6-87971370-A-G.
Other names: c.7603A>G, p.Lys2535Glu (NM_001351444.2); short protein forms K2535E, K2675E.
Identifiers: ClinVar variation 4538037 (VCV004538037.1).

ClinVar aggregate classification (germline): Uncertain significance (1 of 4 stars; one submission).

Submission:

GeneDx
Classification: Uncertain significance. Last evaluated: 2025-06-11. Review status: criteria provided, single submitter. Criteria: GeneDx Variant Classification Process June 2021. Collection method: clinical testing. Allele origin: germline. Affected: yes.
Comment: Not observed at significant frequency in large population cohorts (gnomAD); In silico analysis suggests that this missense variant does not alter protein structure/function; Has not been previously published as pathogenic or benign to our knowledge